The following is an entry in ClinVar:

ClinVar aggregate classification (germline): Pathogenic (1 of 4 stars; one submission).

Conditions:
Joubert syndrome 3 (JBTS3). Also called: AHI1-related Ciliopathy. Identifiers: Orphanet 220493, MedGen C1837713, MONDO:0012078, OMIM 608629.

Submission:

Myriad Genetics, Inc.
Classification: Pathogenic for Joubert syndrome 3. Last evaluated: 2025-01-22. Review status: criteria provided, single submitter. Criteria: Myriad Autosomal Dominant, Autosomal Recessive and X-Linked Classification Criteria (2023). Collection method: clinical testing. Allele origin: unknown.
Comment: NM_001134831.1(AHI1):c.2685T>G(Y895*) is expected to be pathogenic in the context of Joubert syndrome, AHI1-related. This variant is predicted to lead to an abnormal or absent protein product due to the creation of a premature termination codon in AHI1, a gene where loss-of-function variants are known to be pathogenic. Please note: this variant was assessed in the context of healthy population screening.

NM_001134831.2(AHI1):c.2685T>G (p.Tyr895Ter)

Gene: AHI1 (Abelson helper integration site 1; minus strand). Cytogenetic location: 6q23.3.
Variant type: single nucleotide variant.
Coding change: c.2685T>G on transcript NM_001134831.2 (MANE Select); coding-DNA position 2685, T replaced by G.
Protein change: p.Tyr895Ter; replaces tyrosine 895 with a stop codon.
Molecular consequence: nonsense.
Genome position (GRCh38, 1-based): chr6:135,427,246, A>C on the plus strand (T>G on the coding strand, the complement: AHI1 is on the minus strand). VCF-style: chr6-135427246-A-C. GRCh37 (hg19) VCF-style: chr6-135748384-A-C.
Other names: c.2685T>G, p.Tyr895Ter (NM_001134830.2, NM_001134832.2, NM_001350503.2 and 2 more transcripts); short protein forms Y895*.
Identifiers: ClinVar variation 5014000 (VCV005014000.1).
Genomic context (GRCh38, chr6:135,427,246, plus strand): 5'-CAGAAGAATTGGCTCATTTTGCCCAAATGCACAGAATGCAACCATATTTTCAAATGGATG[A>C]TAAGAAATGTCTCGAATGGGTGACTTGAATGGCAAGTCAGAATACATGGCTACTTGTTCT-3'